The following is an entry in ClinVar:

ClinVar aggregate classification (germline): Uncertain significance. Review status: criteria provided, multiple submitters, no conflicts (2 of 4 stars). 2 submissions from 2 submitters: Uncertain significance (2). Last evaluated 2024-01-30.

Conditions:
Inborn genetic diseases. Identifiers: MedGen C0950123, MeSH D030342.
Glycogen storage disease due to muscle and heart glycogen synthase deficiency. Also called: MUSCLE GLYCOGEN SYNTHASE DEFICIENCY; GSD 0b. Identifiers: Orphanet 137625, MedGen C1969054, MONDO:0012693, OMIM 611556.

Allele frequency attached by ClinVar (database versions not stated): gnomAD exomes 0.00004; ExAC 0.00006; 1000 Genomes Project 30x 0.00016; 1000 Genomes Project 0.00020.
gnomAD v4.1: 35 of 1,538,682 alleles (0.0023%); highest among the groups gnomAD compares: East Asian, 0.027%; no homozygotes.

Submissions (2):

Ambry Genetics
Classification: Uncertain significance for Inborn genetic diseases. Last evaluated: 2024-01-30. Review status: criteria provided, single submitter. Criteria: Ambry Variant Classification Scheme 2023. Collection method: clinical testing. Allele origin: germline.

Labcorp Genetics (formerly Invitae), Labcorp
Classification: Uncertain significance for Glycogen storage disease due to muscle and heart glycogen synthase deficiency. Last evaluated: 2021-08-14. Review status: criteria provided, single submitter. Criteria: Invitae Variant Classification Sherloc (09022015). Collection method: clinical testing. Allele origin: germline.
Comment: This sequence change replaces arginine with histidine at codon 635 of the GYS1 protein (p.Arg635His). The arginine residue is moderately conserved and there is a small physicochemical difference between arginine and histidine. This variant is present in population databases (rs200113836, ExAC 0.3%). This variant has not been reported in the literature in individuals affected with GYS1-related conditions. Algorithms developed to predict the effect of missense changes on protein structure and function are either unavailable or do not agree on the potential impact of this missense change (SIFT: "Tolerated"; PolyPhen-2: "Possibly Damaging"; Align-GVGD: "Class C0"). In summary, the available evidence is currently insufficient to determine the role of this variant in disease. Therefore, it has been classified as a Variant of Uncertain Significance.

NM_002103.5(GYS1):c.1904G>A (p.Arg635His)

Gene: GYS1 (glycogen synthase 1; minus strand). Cytogenetic location: 19q13.33.
Variant type: single nucleotide variant.
Coding change: c.1904G>A on transcript NM_002103.5 (MANE Select); coding-DNA position 1904, G replaced by A.
Protein change: p.Arg635His; replaces arginine 635 with histidine.
Molecular consequence: missense variant. On other transcripts: non-coding transcript variant (1).
Genome position (GRCh38, 1-based): chr19:48,969,598, C>T on the plus strand (G>A on the coding strand, the complement: GYS1 is on the minus strand). VCF-style: chr19-48969598-C-T. GRCh37 (hg19) VCF-style: chr19-49472855-C-T.
Other names: c.1904G>A (NM_002103.4); c.1712G>A, p.Arg571His (NM_001161587.2); short protein forms R635H, R571H.
Identifiers: ClinVar variation 1381481 (VCV001381481.6), dbSNP rs200113836, ClinGen allele CA9562726.